The following is an entry in ClinVar:

ClinVar aggregate classification (germline): Uncertain significance (1 of 4 stars; one submission).

Conditions:
Gamma-aminobutyric acid transaminase deficiency (GABATD). Also called: GABA aminotransaminase deficiency; GABA transaminase deficiency; Gamma aminobutyrate transaminase deficiency; 4 alpha aminobutyrate transaminase deficiency. Identifiers: Orphanet 2066, MedGen C0342708, MONDO:0013166, OMIM 613163.

Submission:

Labcorp Genetics (formerly Invitae), Labcorp
Classification: Uncertain significance for Gamma-aminobutyric acid transaminase deficiency. Last evaluated: 2020-08-02. Review status: criteria provided, single submitter. Criteria: Invitae Variant Classification Sherloc (09022015). Collection method: clinical testing. Allele origin: germline.
Comment: This variant results in a copy number gain of the genomic region encompassing exon(s) 2 of the ABAT gene, which includes the initiator codon. The 5' end of this event is unknown as it extends beyond the assayed region for this gene and therefore may encompass additional genes. The 3' boundary is likely confined to intron 2 of the ABAT gene. As the precise location of this event is unknown, it may be in tandem or it may be located elsewhere in the genome. This variant has not been reported in the literature in individuals with ABAT-related conditions. Experimental studies and prediction algorithms are not available or were not evaluated, and the functional significance of this variant is currently unknown. In summary, the available evidence is currently insufficient to determine the role of this variant in disease. Therefore, it has been classified as a Variant of Uncertain Significance.

NC_000016.9:g.(?_8829597)_(8829676_?)dup

Gene: ABAT (4-aminobutyrate aminotransferase; plus strand). Cytogenetic location: 16p13.2.
Variant type: Duplication.
Identifiers: ClinVar variation 1054475 (VCV001054475.1).